The following is an entry in ClinVar:

NM_000321.3(RB1):c.-98G>A

Gene: RB1 (RB transcriptional corepressor 1; plus strand). Cytogenetic location: 13q14.2.
Variant type: single nucleotide variant.
Coding change: c.-98G>A on transcript NM_000321.3 (MANE Select); 98 bases upstream of the start codon, G replaced by A.
Molecular consequence: 5 prime UTR variant.
Genome position (GRCh38, 1-based): chr13:48,303,815, G>A. VCF-style: chr13-48303815-G-A. GRCh37 (hg19) VCF-style: chr13-48877951-G-A.
Other names: c.-98G>A (NM_001407165.1, NM_001407166.1, NM_001407167.1).
Identifiers: ClinVar variation 2994302 (VCV002994302.3), dbSNP rs925207403, ClinGen allele CA249842013.
Genomic context (GRCh38, chr13:48,303,815, plus strand): 5'-GCCGGGCGGGGGAGGGCGCGTCCGGTTTTTCTCAGGGGACGTTGAAATTATTTTTGTAAC[G>A]GGAGTCGGGAGAGGACGGGGCGTGCCCCGACGTGCGCGCGCGTCGTCCTCCCCGGCGCTC-3'

ClinVar aggregate classification (germline): Uncertain significance (1 of 4 stars; one submission).

Conditions:
Retinoblastoma (RB1). Also called: RETINOBLASTOMA, SOMATIC. Identifiers: Orphanet 790, MedGen C0035335, MeSH D012175, MONDO:0008380, OMIM 180200, HP:0009919. Disease mechanism: loss of function. Inheritance: Both sporadic and heritable forms are tested..

gnomAD v4.1: 7 of 1,441,934 alleles (0.00049%); highest among the groups gnomAD compares: Admixed American, 0.015%; no homozygotes.

Submission:

Labcorp Genetics (formerly Invitae), Labcorp
Classification: Uncertain significance for Retinoblastoma. Last evaluated: 2025-12-10. Review status: criteria provided, single submitter. Criteria: Invitae Variant Classification Sherloc (09022015). Collection method: clinical testing. Allele origin: germline.
Comment: This variant occurs in a non-coding region of the RB1 gene. It does not change the encoded amino acid sequence of the RB1 protein. This variant is present in population databases (no rsID available, gnomAD 0.1%). This variant has not been reported in the literature in individuals affected with RB1-related conditions. ClinVar contains an entry for this variant (Variation ID: 2994302). RNA analysis provides insufficient evidence to determine the effect of this variant on RB1 splicing (internal data). In summary, the available evidence is currently insufficient to determine the role of this variant in disease. Therefore, it has been classified as a Variant of Uncertain Significance.